The following is an entry in ClinVar:

NM_018446.4(GLT8D1):c.784C>T (p.Leu262=)

Gene: GLT8D1 (glycosyltransferase 8 domain containing 1; minus strand). Cytogenetic location: 3p21.1.
Variant type: single nucleotide variant.
Coding change: c.784C>T on transcript NM_018446.4 (MANE Select); coding-DNA position 784, C replaced by T.
Protein change: p.Leu262=; no amino-acid change (leucine 262 retained).
Molecular consequence: synonymous variant.
Genome position (GRCh38, 1-based): chr3:52,695,449, G>A on the plus strand (C>T on the coding strand, the complement: GLT8D1 is on the minus strand). VCF-style: chr3-52695449-G-A. GRCh37 (hg19) VCF-style: chr3-52729465-G-A.
Other names: c.784C>T, p.Leu262= (NM_001010983.3, NM_001278280.2, NM_001278281.2 and 1 more transcripts).
Identifiers: ClinVar variation 4980112 (VCV004980112.2).

ClinVar aggregate classification (germline): Likely benign. Review status: criteria provided, multiple submitters, no conflicts (2 of 4 stars). 2 submissions from 2 submitters: Likely benign (2). Last evaluated 2026-09-01.

Conditions:
GLT8D1-related disorder. Also called: GLT8D1-related condition.

Submissions (2):

CeGaT Center for Human Genetics Tuebingen
Classification: Likely benign. Last evaluated: 2026-09-01. Review status: criteria provided, single submitter. Criteria: CeGaT Center For Human Genetics Tuebingen Variant Classification Criteria Version 2. Collection method: clinical testing. Allele origin: germline. Affected: yes. Observed: 1 variant allele.
Comment: GLT8D1: BP4, BP7

PreventionGenetics, part of Exact Sciences
Classification: Likely benign for GLT8D1-related condition. Last evaluated: 2026-05-28. Review status: criteria provided, single submitter. Criteria: ACMG Guidelines, 2015. Collection method: clinical testing. Allele origin: germline.
Comment: This variant is classified as likely benign based on ACMG/AMP sequence variant interpretation guidelines (Richards et al. 2015 PMID: 25741868, with internal and published modifications).